The following is an entry in ClinVar:

NM_000222.3(KIT):c.493G>T (p.Asp165Tyr)

Gene: KIT (KIT proto-oncogene, receptor tyrosine kinase; plus strand). Cytogenetic location: 4q12.
Variant type: single nucleotide variant.
Coding change: c.493G>T on transcript NM_000222.3 (MANE Select); coding-DNA position 493, G replaced by T.
Protein change: p.Asp165Tyr; replaces aspartic acid 165 with tyrosine.
Molecular consequence: missense variant.
Genome position (GRCh38, 1-based): chr4:54,698,439, G>T. VCF-style: chr4-54698439-G-T. GRCh37 (hg19) VCF-style: chr4-55564605-G-T.
Other names: c.493G>T, p.Asp165Tyr (NM_001093772.2, NM_001385284.1, NM_001385285.1 and 4 more transcripts); short protein forms D165Y.
Identifiers: ClinVar variation 4645270 (VCV004645270.1).
Genomic context (GRCh38, chr4:54,698,439, plus strand): 5'-AATTATTCCCTCAAGGGGTGCCAGGGGAAGCCTCTTCCCAAGGACTTGAGGTTTATTCCT[G>T]ACCCCAAGGCGGGCATCATGATCAAAAGTGTGAAACGCGCCTACCATCGGCTCTGTCTGC-3'
Protein context (NP_000213.1, residues 155-175): PLPKDLRFIP[Asp165Tyr]PKAGIMIKSV

ClinVar aggregate classification (germline): Uncertain significance (1 of 4 stars; one submission).

Conditions:
Hereditary cancer-predisposing syndrome. Also called: Neoplastic Syndromes, Hereditary; Tumor predisposition; Hereditary Cancer Syndrome; Hereditary neoplastic syndrome. Identifiers: Orphanet 140162, MedGen C0027672, MeSH D009386, MONDO:0015356.

Submission:

Ambry Genetics
Classification: Uncertain significance for Hereditary cancer-predisposing syndrome. Last evaluated: 2025-11-11. Review status: criteria provided, single submitter. Criteria: Ambry Variant Classification Scheme 2023. Collection method: clinical testing. Allele origin: germline.
Comment: The p.D165Y variant (also known as c.493G>T), located in coding exon 3 of the KIT gene, results from a G to T substitution at nucleotide position 493. The aspartic acid at codon 165 is replaced by tyrosine, an amino acid with highly dissimilar properties. This amino acid position is conserved. In addition, the in silico prediction for this alteration is inconclusive. Based on the available evidence, the clinical significance of this variant remains unclear.